The following is an entry in ClinVar:

NM_004946.3(DOCK2):c.138G>T (p.Arg46Ser)

Gene: DOCK2 (dedicator of cytokinesis 2; plus strand). Cytogenetic location: 5q35.1.
Variant type: single nucleotide variant.
Coding change: c.138G>T on transcript NM_004946.3 (MANE Select); coding-DNA position 138, G replaced by T.
Protein change: p.Arg46Ser; replaces arginine 46 with serine.
Molecular consequence: missense variant. On other transcripts: non-coding transcript variant (1).
Genome position (GRCh38, 1-based): chr5:169,669,298, G>T. VCF-style: chr5-169669298-G-T. GRCh37 (hg19) VCF-style: chr5-169096302-G-T.
Other names: c.138G>T (NM_004946.2); short protein forms R46S.
Identifiers: ClinVar variation 1489199 (VCV001489199.8), dbSNP rs745945611, ClinGen allele CA3553067.

ClinVar aggregate classification (germline): Uncertain significance. Review status: criteria provided, multiple submitters, no conflicts (2 of 4 stars). 2 submissions from 2 submitters: Uncertain significance (2). Last evaluated 2025-01-23.

Conditions:
DOCK2 deficiency. Also called: Immunodeficiency 40. Identifiers: Orphanet 447737, MedGen C4225328, MONDO:0014637, OMIM 616433.
Inborn genetic diseases. Identifiers: MedGen C0950123, MeSH D030342.

Allele frequency attached by ClinVar (database versions not stated): TOPMed 0.00001.
gnomAD v4.1: 19 of 1,614,036 alleles (0.0012%); highest among the groups gnomAD compares: Middle Eastern, 0.016%; no homozygotes.

Submissions (2):

Ambry Genetics
Classification: Uncertain significance for Inborn genetic diseases. Last evaluated: 2025-01-23. Review status: criteria provided, single submitter. Criteria: Ambry Variant Classification Scheme 2023. Collection method: clinical testing. Allele origin: germline.

Labcorp Genetics (formerly Invitae), Labcorp
Classification: Uncertain significance for DOCK2 deficiency. Last evaluated: 2024-02-17. Review status: criteria provided, single submitter. Criteria: Invitae Variant Classification Sherloc (09022015). Collection method: clinical testing. Allele origin: germline.
Comment: This sequence change replaces arginine, which is basic and polar, with serine, which is neutral and polar, at codon 46 of the DOCK2 protein (p.Arg46Ser). This variant is present in population databases (rs745945611, gnomAD 0.01%). This variant has not been reported in the literature in individuals affected with DOCK2-related conditions. ClinVar contains an entry for this variant (Variation ID: 1489199). An algorithm developed to predict the effect of missense changes on protein structure and function (PolyPhen-2) suggests that this variant is likely to be disruptive. In summary, the available evidence is currently insufficient to determine the role of this variant in disease. Therefore, it has been classified as a Variant of Uncertain Significance.